The following is an entry in ClinVar:

ClinVar aggregate classification (germline): Uncertain significance. Review status: criteria provided, multiple submitters, no conflicts (2 of 4 stars). 2 submissions from 2 submitters: Uncertain significance (2). Last evaluated 2025-03-14.

Conditions:
Inborn genetic diseases. Identifiers: MedGen C0950123, MeSH D030342.
Megalencephaly-polymicrogyria-postaxial polydactyly-hydrocephalus syndrome. Also called: MEG-PMG-MEGACC SYNDROME; MPPH Syndrome. Identifiers: Orphanet 83473, MedGen C1863924, MONDO:0019375.

Submissions (2):

Ambry Genetics
Classification: Uncertain significance for Inborn genetic diseases. Last evaluated: 2025-03-14. Review status: criteria provided, single submitter. Criteria: Ambry Variant Classification Scheme 2023. Collection method: clinical testing. Allele origin: germline.

Labcorp Genetics (formerly Invitae), Labcorp
Classification: Uncertain significance for Megalencephaly-polymicrogyria-postaxial polydactyly-hydrocephalus syndrome. Last evaluated: 2022-03-18. Review status: criteria provided, single submitter. Criteria: Invitae Variant Classification Sherloc (09022015). Collection method: clinical testing. Allele origin: germline.
Comment: Advanced modeling of protein sequence and biophysical properties (such as structural, functional, and spatial information, amino acid conservation, physicochemical variation, residue mobility, and thermodynamic stability) performed at Invitae indicates that this missense variant is not expected to disrupt PIK3R2 protein function. In summary, the available evidence is currently insufficient to determine the role of this variant in disease. Therefore, it has been classified as a Variant of Uncertain Significance. This variant has not been reported in the literature in individuals affected with PIK3R2-related conditions. This variant is not present in population databases (gnomAD no frequency). This sequence change replaces glycine, which is neutral and non-polar, with cysteine, which is neutral and slightly polar, at codon 92 of the PIK3R2 protein (p.Gly92Cys).

NM_005027.4(PIK3R2):c.274G>T (p.Gly92Cys)

Gene: PIK3R2 (phosphoinositide-3-kinase regulatory subunit 2; plus strand). Cytogenetic location: 19p13.11.
Variant type: single nucleotide variant.
Coding change: c.274G>T on transcript NM_005027.4 (MANE Select); coding-DNA position 274, G replaced by T.
Protein change: p.Gly92Cys; replaces glycine 92 with cysteine.
Molecular consequence: missense variant. On other transcripts: non-coding transcript variant (2).
Genome position (GRCh38, 1-based): chr19:18,156,153, G>T. VCF-style: chr19-18156153-G-T. GRCh37 (hg19) VCF-style: chr19-18266963-G-T.
Other names: c.274G>T (NM_005027.2); short protein forms G92C.
Identifiers: ClinVar variation 2113810 (VCV002113810.5), dbSNP rs986535557, ClinGen allele CA306164033.